The following is an entry in ClinVar:

NM_025132.4(WDR19):c.1732G>A (p.Asp578Asn)

Gene: WDR19 (WD repeat domain 19; plus strand). Cytogenetic location: 4p14.
Variant type: single nucleotide variant.
Coding change: c.1732G>A on transcript NM_025132.4 (MANE Select); coding-DNA position 1732, G replaced by A.
Protein change: p.Asp578Asn; replaces aspartic acid 578 with asparagine.
Molecular consequence: missense variant.
Genome position (GRCh38, 1-based): chr4:39,228,312, G>A. VCF-style: chr4-39228312-G-A. GRCh37 (hg19) VCF-style: chr4-39229932-G-A.
Other names: c.1252G>A, p.Asp418Asn (NM_001317924.2); c.1732G>A (NM_025132.3); short protein forms D578N, D418N.
Identifiers: ClinVar variation 1986981 (VCV001986981.5), dbSNP rs1304881787, ClinGen allele CA356632778.
Genomic context (GRCh38, chr4:39,228,312, plus strand): 5'-ATTAAAGGTGTTCTTTGGGAAAACTGGCCAATGGATAAAGGTGTATTTATTGCTTATGAT[G>A]ATGATAAGGTGTACACTTATGTCTTTCACAAGGACACTATACAAGGTACTAAACCCCTTT-3'
Protein context (NP_079408.3, residues 568-588): MDKGVFIAYD[Asp578Asn]DKVYTYVFHK

ClinVar aggregate classification (germline): Uncertain significance. Review status: criteria provided, multiple submitters, no conflicts (2 of 4 stars). 2 submissions from 2 submitters: Uncertain significance (2). Last evaluated 2025-08-08.

Conditions:
Asphyxiating thoracic dystrophy 5 (SRTD5). Also called: SHORT-RIB THORACIC DYSPLASIA 5 WITH OR WITHOUT POLYDACTYLY; SHORT-RIB THORACIC DYSPLASIA 5 WITHOUT POLYDACTYLY. Identifiers: Orphanet 474, MedGen C3280598, MONDO:0013717, OMIM 614376.
Senior-Loken syndrome 8 (SLSN8). Identifiers: Orphanet 3156, MedGen C4225376, MONDO:0014579, OMIM 616307.
Inborn genetic diseases. Identifiers: MedGen C0950123, MeSH D030342.

Allele frequency attached by ClinVar (database versions not stated): gnomAD exomes below 0.00001; gnomAD 0.00001.
gnomAD v4.1: 8 of 1,613,310 alleles (0.0005%); highest among the groups gnomAD compares: Admixed American, 0.0017%; no homozygotes.

Submissions (2):

Ambry Genetics
Classification: Uncertain significance for Inborn genetic diseases. Last evaluated: 2025-08-08. Review status: criteria provided, single submitter. Criteria: Ambry Variant Classification Scheme 2023. Collection method: clinical testing. Allele origin: germline.

Labcorp Genetics (formerly Invitae), Labcorp
Classification: Uncertain significance for Senior-Loken syndrome 8; Asphyxiating thoracic dystrophy 5. Last evaluated: 2021-12-13. Review status: criteria provided, single submitter. Criteria: Invitae Variant Classification Sherloc (09022015). Collection method: clinical testing. Allele origin: germline.
Comment: This sequence change replaces aspartic acid, which is acidic and polar, with asparagine, which is neutral and polar, at codon 578 of the WDR19 protein (p.Asp578Asn). The frequency data for this variant in the population databases is considered unreliable, as metrics indicate poor data quality at this position in the gnomAD database. This variant has not been reported in the literature in individuals affected with WDR19-related conditions. Algorithms developed to predict the effect of missense changes on protein structure and function (SIFT, PolyPhen-2, Align-GVGD) all suggest that this variant is likely to be tolerated. In summary, the available evidence is currently insufficient to determine the role of this variant in disease. Therefore, it has been classified as a Variant of Uncertain Significance.